The following is an entry in ClinVar:

NM_001430.5(EPAS1):c.695C>T (p.Pro232Leu)

Genes: EPAS1 (endothelial PAS domain protein 1; plus strand), LOC126806210 (BRD4-independent group 4 enhancer GRCh37_chr2:46587586-46588785; plus strand). Cytogenetic location: 2p21.
Variant type: single nucleotide variant.
Coding change: c.695C>T on transcript NM_001430.5 (MANE Select); coding-DNA position 695, C replaced by T.
Protein change: p.Pro232Leu; replaces proline 232 with leucine.
Molecular consequence: missense variant.
Genome position (GRCh38, 1-based): chr2:46,361,006, C>T. VCF-style: chr2-46361006-C-T. GRCh37 (hg19) VCF-style: chr2-46588145-C-T.
Other names: short protein forms P232L.
Identifiers: ClinVar variation 3275668 (VCV003275668.1).

ClinVar aggregate classification (germline): Uncertain significance (1 of 4 stars; one submission).

Conditions:
Inborn genetic diseases. Identifiers: MedGen C0950123, MeSH D030342.

Submission:

Ambry Genetics
Classification: Uncertain significance for Inborn genetic diseases. Last evaluated: 2024-04-04. Review status: criteria provided, single submitter. Criteria: Ambry Variant Classification Scheme 2023. Collection method: clinical testing. Allele origin: germline.
Comment: The p.P232L variant (also known as c.695C>T), located in coding exon 6 of the EPAS1 gene, results from a C to T substitution at nucleotide position 695. The proline at codon 232 is replaced by leucine, an amino acid with similar properties. This amino acid position is conserved. In addition, the in silico prediction for this alteration is inconclusive. Based on the available evidence, the clinical significance of this variant remains unclear.